The following is an entry in ClinVar:

ClinVar aggregate classification (germline): Likely benign (1 of 4 stars; one submission).

Conditions:
TNC-related disorder. Also called: TNC-related condition.

gnomAD v4.1: 33 of 1,614,090 alleles (0.002%); highest among the groups gnomAD compares: Middle Eastern, 0.016%; no homozygotes.

Submission:

PreventionGenetics, part of Exact Sciences
Classification: Likely benign for TNC-related condition. Last evaluated: 2025-12-07. Review status: criteria provided, single submitter. Criteria: ACMG Guidelines, 2015. Collection method: clinical testing. Allele origin: germline.
Comment: This variant is classified as likely benign based on ACMG/AMP sequence variant interpretation guidelines (Richards et al. 2015 PMID: 25741868, with internal and published modifications).

NM_002160.4(TNC):c.636G>A (p.Thr212=)

Gene: TNC (tenascin C; minus strand). Cytogenetic location: 9q33.1.
Variant type: single nucleotide variant.
Coding change: c.636G>A on transcript NM_002160.4 (MANE Select); coding-DNA position 636, G replaced by A.
Protein change: p.Thr212=; no amino-acid change (threonine 212 retained).
Molecular consequence: synonymous variant.
Genome position (GRCh38, 1-based): chr9:115,087,095, C>T on the plus strand (G>A on the coding strand, the complement: TNC is on the minus strand). VCF-style: chr9-115087095-C-T. GRCh37 (hg19) VCF-style: chr9-117849374-C-T.
Other names: c.636G>A, p.Thr212= (NM_001410991.1, NM_001439065.1, NM_001439066.1 and 35 more transcripts).
Identifiers: ClinVar variation 4990656 (VCV004990656.1).